The following is an entry in ClinVar:

ClinVar aggregate classification (germline): Uncertain significance (1 of 4 stars; one submission).

Submission:

Clinical Genomics Laboratory, Laboratory for Precision Diagnostics, University of Washington
Classification: Uncertain significance. Last evaluated: 2017-07-28. Review status: criteria provided, single submitter. Criteria: Clinical Cytogenomics Laboratory Policy on CNV Interpretation. Collection method: clinical testing. Allele origin: unknown. Affected: yes. Observed: 1 variant allele.

GRCh37/hg19 20q13.33(chr20:61974480-62473704)x3

Genes: ARFRP1 (ARF related protein 1; minus strand), CHRNA4 (cholinergic receptor nicotinic alpha 4 subunit; minus strand), LIME1 (Lck interacting transmembrane adaptor 1; plus strand), PPDPF (pancreatic progenitor cell differentiation and proliferation factor; plus strand), PTK6 (protein tyrosine kinase 6; minus strand) and 12 more. Cytogenetic location: 20q13.33.
Variant type: copy number gain.
Change: copy number 3 (three copies instead of two) of chr20:61,974,480-62,473,704 (499.2 kb, GRCh37 coordinates, 1-based), cytogenetic band 20q13.33.
Identifiers: ClinVar variation 503592 (VCV000503592.3).